The following is an entry in ClinVar:

ClinVar aggregate classification (germline): Conflicting classifications of pathogenicity. Review status: criteria provided, conflicting classifications (1 of 4 stars). 5 submissions from 4 submitters: Uncertain significance (2); Likely benign (3). Last evaluated 2026-06-05.

Conditions:
Joubert syndrome 9 (JBTS9). Identifiers: Orphanet 2318, MedGen C2676788, MONDO:0012849, OMIM 612285.
CC2D2A-related disorder. Also called: CC2D2A-related disorders; CC2D2A-related condition. Identifiers: MedGen CN239313.
Joubert syndrome. Also called: Familial aplasia of the vermis; JOUBERT-BOLTSHAUSER SYNDROME. Identifiers: Orphanet 475, MedGen C5979921, MONDO:0018772.
Meckel-Gruber syndrome. Also called: Dysencephalia splachnocystica; DYSENCEPHALIA SPLANCHNOCYSTICA; GRUBER SYNDROME. Identifiers: Orphanet 564, MedGen C0265215, MONDO:0018921.
Meckel syndrome, type 6. Identifiers: Orphanet 564, MedGen C2676790, MONDO:0012848, OMIM 612284.

Allele frequency attached by ClinVar (database versions not stated): gnomAD below 0.00001 and 0.00005; gnomAD exomes 0.00005 and 0.00009; ExAC 0.00013.
gnomAD v4.1: 73 of 1,605,748 alleles (0.0045%); highest among the groups gnomAD compares: South Asian, 0.081%; no homozygotes.

Submissions (5):

PreventionGenetics, part of Exact Sciences
Classification: Likely benign for CC2D2A-related condition. Last evaluated: 2026-06-05. Review status: criteria provided, single submitter. Criteria: ACMG Guidelines, 2015. Collection method: clinical testing. Allele origin: germline.
Comment: This variant is classified as likely benign based on ACMG/AMP sequence variant interpretation guidelines (Richards et al. 2015 PMID: 25741868, with internal and published modifications).

Labcorp Genetics (formerly Invitae), Labcorp
Classification: Likely benign for Joubert syndrome; Meckel-Gruber syndrome. Last evaluated: 2026-01-11. Review status: criteria provided, single submitter. Criteria: Invitae Variant Classification Sherloc (09022015). Collection method: clinical testing. Allele origin: germline.

Blueprint Genetics
Classification: Likely benign. Last evaluated: 2023-05-18. Review status: criteria provided, single submitter. Criteria: ACMG Guidelines, 2015. Collection method: clinical testing. Allele origin: germline.

Illumina Laboratory Services, Illumina
Classification: Uncertain significance for Meckel syndrome, type 6. Last evaluated: 2018-01-13. Review status: criteria provided, single submitter. Criteria: ICSL Variant Classification Criteria 13 December 2019. Collection method: clinical testing. Allele origin: germline.

Illumina Laboratory Services, Illumina
Classification: Uncertain significance for Joubert syndrome 9. Last evaluated: 2018-01-13. Review status: criteria provided, single submitter. Criteria: ICSL Variant Classification Criteria 13 December 2019. Collection method: clinical testing. Allele origin: germline.

NM_001378615.1(CC2D2A):c.3333T>C (p.Val1111=)

Genes: FBXL5 (F-box and leucine rich repeat protein 5; minus strand), CC2D2A (coiled-coil and C2 domain containing 2A; plus strand). Cytogenetic location: 4p15.32.
Variant type: single nucleotide variant.
Coding change: c.3333T>C on transcript NM_001378615.1 (MANE Select); coding-DNA position 3333, T replaced by C.
Protein change: p.Val1111=; no amino-acid change (valine 1111 retained).
Molecular consequence: synonymous variant.
Genome position (GRCh38, 1-based): chr4:15,567,721, T>C. VCF-style: chr4-15567721-T-C. GRCh37 (hg19) VCF-style: chr4-15569344-T-C.
Other names: c.3333T>C, p.Val1111= (NM_001080522.2); c.3186T>C, p.Val1062= (NM_001378617.1).
Identifiers: ClinVar variation 238277 (VCV000238277.17), dbSNP rs753770061, ClinGen allele CA2864143.